The following is an entry in ClinVar:

NM_001211.6(BUB1B):c.838G>A (p.Asp280Asn)

Gene: BUB1B (BUB1 mitotic checkpoint serine/threonine kinase B; plus strand). Cytogenetic location: 15q15.1.
Variant type: single nucleotide variant.
Coding change: c.838G>A on transcript NM_001211.6 (MANE Select); coding-DNA position 838, G replaced by A.
Protein change: p.Asp280Asn; replaces aspartic acid 280 with asparagine.
Molecular consequence: missense variant.
Genome position (GRCh38, 1-based): chr15:40,185,251, G>A. VCF-style: chr15-40185251-G-A. GRCh37 (hg19) VCF-style: chr15-40477452-G-A.
Other names: short protein forms D280N.
Identifiers: ClinVar variation 3221448 (VCV003221448.1), dbSNP rs2037344931, ClinGen allele CA391684291.

ClinVar aggregate classification (germline): Uncertain significance (1 of 4 stars; one submission).

Conditions:
Inborn genetic diseases. Identifiers: MedGen C0950123, MeSH D030342.

Allele frequency attached by ClinVar (database versions not stated): gnomAD exomes below 0.00001.
gnomAD v4.1: 1 of 1,614,088 alleles (0.000062%); highest among the groups gnomAD compares: South Asian, 0.0011%; no homozygotes.

Submission:

Ambry Genetics
Classification: Uncertain significance for Inborn genetic diseases. Last evaluated: 2023-12-14. Review status: criteria provided, single submitter. Criteria: Ambry Variant Classification Scheme 2023. Collection method: clinical testing. Allele origin: germline.
Comment: The p.D280N variant (also known as c.838G>A), located in coding exon 7 of the BUB1B gene, results from a G to A substitution at nucleotide position 838. The aspartic acid at codon 280 is replaced by asparagine, an amino acid with highly similar properties. This amino acid position is conserved. In addition, this alteration is predicted to be tolerated by in silico analysis. Since supporting evidence is limited at this time, the clinical significance of this alteration remains unclear.